The following is an entry in ClinVar:

ClinVar aggregate classification (germline): Pathogenic (1 of 4 stars; one submission).

Conditions:
Waardenburg syndrome type 1 (WS1). Also called: WAARDENBURG SYNDROME WITH DYSTOPIA CANTHORUM; Waardenburg Syndrome Type I. Identifiers: Orphanet 894, MedGen C1847800, MONDO:0008670, OMIM 193500.

Submission:

Women's Health and Genetics/Laboratory Corporation of America, LabCorp
Classification: Pathogenic for Waardenburg syndrome type 1. Last evaluated: 2025-12-16. Review status: criteria provided, single submitter. Criteria: LabCorp Variant Classification Summary - May 2015. Collection method: clinical testing. Allele origin: germline.
Comment: Variant summary: PAX3 c.238delC (p.His80ThrfsX30) results in a premature termination codon, predicted to cause a truncation of the encoded protein or absence of the protein due to nonsense mediated decay, which are commonly known mechanisms for disease. The variant was absent in 250228 control chromosomes. To our knowledge, no occurrence of c.238delC in individuals affected with PAX3-related conditions and no experimental evidence demonstrating its impact on protein function have been reported. No submitters have cited clinical-significance assessments for this variant to ClinVar. Based on the evidence outlined above, the variant was classified as pathogenic.

NM_181458.4(PAX3):c.238del (p.His80fs)

Gene: PAX3 (paired box 3; minus strand). Cytogenetic location: 2q36.1.
Variant type: Deletion.
Coding change: c.238del on transcript NM_181458.4 (MANE Select); coding-DNA position 238, one base deleted (C; older notation c.238delC).
Protein change: p.His80fs; shifts the reading frame from histidine 80.
Molecular consequence: frameshift variant.
Genome position (GRCh38, 1-based): chr2:222,297,061, G deleted on the plus strand (C on the coding strand, the reverse complement: PAX3 is on the minus strand); the first of 3 consecutive G bases (chr2:222,297,061-222,297,063); deleting any one gives the same sequence. VCF-style (leftmost placement, unchanged base first): chr2-222297060-TG-T. GRCh37 (hg19) VCF-style: chr2-223161779-TG-T.
Other names: c.238del, p.His80fs (NM_000438.6, NM_001127366.3, NM_013942.5 and 4 more transcripts); c.238delC (NM_181457.4); short protein forms H80fs.
Identifiers: ClinVar variation 4688279 (VCV004688279.1).